The following is an entry in ClinVar:

NM_198994.3(TGM6):c.424+1G>A

Gene: TGM6 (transglutaminase 6; plus strand). Cytogenetic location: 20p13.
Variant type: single nucleotide variant.
Coding change: c.424+1G>A on transcript NM_198994.3 (MANE Select); the canonical splice donor site of the intron after coding-DNA position 424, G replaced by A.
Molecular consequence: splice donor variant.
Genome position (GRCh38, 1-based): chr20:2,395,437, G>A. VCF-style: chr20-2395437-G-A. GRCh37 (hg19) VCF-style: chr20-2376083-G-A.
Other names: c.424+1G>A (NM_001254734.2).
Identifiers: ClinVar variation 4084652 (VCV004084652.8).
Genomic context (GRCh38, chr20:2,395,437, plus strand): 5'-GCAAACACAGCAACCGGAGGCTGGGCGAGTTTGTTCTCCTTTTCAACCCATGGTGTGCAG[G>A]TAGGAGTGGCCAAGTCCAATGCAGAGGTTTTTCCAAAAGACATCCTTAGAGGAGAGCCTG-3'

ClinVar aggregate classification (germline): Uncertain significance (1 of 4 stars; one submission).

gnomAD v4.1: 3 of 1,614,254 alleles (0.00019%); highest among the groups gnomAD compares: Non-Finnish European, 0.00025%; no homozygotes.

Submission:

CeGaT Center for Human Genetics Tuebingen
Classification: Uncertain significance. Last evaluated: 2025-07-01. Review status: criteria provided, single submitter. Criteria: CeGaT Center For Human Genetics Tuebingen Variant Classification Criteria Version 2. Collection method: clinical testing. Allele origin: germline. Affected: yes. Observed: 1 variant allele.
Comment: TGM6: PM2